The following is an entry in ClinVar:

NM_000516.7(GNAS):c.601C>A (p.Arg201Ser)

Gene: GNAS (GNAS complex locus; plus strand). Cytogenetic location: 20q13.32.
Variant type: single nucleotide variant.
Coding change: c.601C>A on transcript NM_000516.7 (MANE Select); coding-DNA position 601, C replaced by A.
Protein change: p.Arg201Ser; replaces arginine 201 with serine.
Molecular consequence: missense variant. On other transcripts: 3 prime UTR variant (2).
Genome position (GRCh38, 1-based): chr20:58,909,365, C>A. VCF-style: chr20-58909365-C-A. GRCh37 (hg19) VCF-style: chr20-57484420-C-A.
Other names: c.604C>A, p.Arg202Ser (NM_001077488.5); c.556C>A, p.Arg186Ser (NM_001077489.4); c.*462C>A (NM_001077490.3); c.424C>A, p.Arg142Ser (NM_001309840.2, NM_001309861.2); c.*507C>A (NM_016592.5); c.2530C>A, p.Arg844Ser (NM_080425.4); c.559C>A, p.Arg187Ser (NM_080426.4); short protein forms R201S, R202S, R187S, R142S, R186S, R844S.
Identifiers: ClinVar variation 15937 (VCV000015937.5), dbSNP rs11554273, ClinGen allele CA126086.

ClinVar aggregate classification (germline): Uncertain significance. Review status: criteria provided, single submitter (1 of 4 stars). 5 submissions from 3 submitters: Uncertain significance (1). 4 of the submissions do not count toward it. Last evaluated 2025-04-28.
ClinVar aggregate classification (somatic clinical impact): Tier I - Strong (1 of 4 stars; one submission).

Conditions:
ACTH-independent macronodular adrenal hyperplasia 1 (AIMAH1). Also called: ACTH-INDEPENDENT MACRONODULAR ADRENOCORTICAL HYPERPLASIA; ADRENOCORTICOTROPIC HORMONE-INDEPENDENT MACRONODULAR ADRENAL HYPERPLASIA; CORTICOTROPIN-INDEPENDENT MACRONODULAR ADRENAL HYPERPLASIA; CUSHING SYNDROME, ADRENAL, DUE TO AIMAH; ACTH-independent macronodular adrenal hyperplasia, somatic. Identifiers: MedGen C1857451, MONDO:0020735, OMIM 219080.
PITUITARY TUMOR 3, GROWTH HORMONE-SECRETING, SOMATIC.
McCune-Albright syndrome (MAS). Also called: ALBRIGHT SYNDROME; Albright's Syndrome; McCune-Albright syndrome, somatic, mosaic; Fibrous Dysplasia / McCune-Albright Syndrome; Albright's disease. Identifiers: Orphanet 562, MedGen C0242292, MONDO:0018919, OMIM 174800.
Polyostotic fibrous dysplasia, somatic, mosaic. Identifiers: MedGen C2675383.
Juvenile type testicular granulosa cell tumor. Identifiers: MedGen C1515285, MONDO:0003741, HP:0034380.

Submissions (6):

Labcorp Genetics (formerly Invitae), Labcorp
Classification: Uncertain significance. Last evaluated: 2025-04-28. Review status: criteria provided, single submitter. Criteria: Invitae Variant Classification Sherloc (09022015). Collection method: clinical testing. Allele origin: germline.
Comment: This sequence change replaces arginine, which is basic and polar, with serine, which is neutral and polar, at codon 201 of the GNAS protein (p.Arg201Ser). This variant is not present in population databases (gnomAD no frequency). This missense change has been observed in individual(s) with clinical features of McCune-Albright syndrome, as a somatic mosaic variant (PMID: 8766942, 10980525, 12727968, 19320777, 22245114, 26743443). ClinVar contains an entry for this variant (Variation ID: 15937). Invitae Evidence Modeling of protein sequence and biophysical properties (such as structural, functional, and spatial information, amino acid conservation, physicochemical variation, residue mobility, and thermodynamic stability) indicates that this missense variant is expected to disrupt GNAS protein function with a positive predictive value of 80%. This variant disrupts the p.Arg201 amino acid residue in GNAS. Other variant(s) that disrupt this residue have been determined to be pathogenic (PMID: 16543670, 17873334, 20197676, 27506760). This suggests that this residue is clinically significant, and that variants that disrupt this residue are likely to be disease-causing. In summary, the available evidence is currently insufficient to determine the role of this variant in disease. Therefore, it has been classified as a Variant of Uncertain Significance.

Institute for Genomic Medicine (IGM) Clinical Laboratory, Nationwide Children's Hospital
Classification: Tier I - Strong for Juvenile type testicular granulosa cell tumor. Assertion type: diagnostic. Clinical significance: supports diagnosis. Last evaluated: 2023-09-27. Review status: criteria provided, single submitter. Criteria: AMP/ASCO/CAP Guidelines, 2017. Collection method: clinical testing. Allele origin: somatic. Affected: yes.
Comment: Variant has Tier I (strong) clinical significance as a diagnostic inclusion criterion in juvenile type testicular granulosa cell tumor, based on the following evidence: 1) Documented in one or more cancer databases (e.g., St. Jude Pecan, COSMIC, CIViC, OncoKB). 2) Appears in one or more well-established professional guidelines (e.g., World Health Organization [WHO]; National Comprehensive Cancer Network [NCCN]) as providing diagnostic, prognostic, or therapeutic information. 3) Information in the literature supports potential biologic effect of variant (PMIDs: 20531296, 25288233, 2549426). 4) Diagnostic for a specific tumor type/classification based on well-powered studies with expert-level consensus (Evidence Level B; PMID: 16507630).

OMIM
Classification: Pathogenic for PITUITARY TUMOR 3, GROWTH HORMONE-SECRETING, SOMATIC. Last evaluated: 2003-05-01. Review status: no assertion criteria provided. Collection method: literature only. Allele origin: somatic. Not counted in ClinVar's aggregate classification.

OMIM
Classification: Pathogenic for POLYOSTOTIC FIBROUS DYSPLASIA, SOMATIC, MOSAIC. Last evaluated: 2003-05-01. Review status: no assertion criteria provided. Collection method: literature only. Allele origin: somatic. Not counted in ClinVar's aggregate classification.

OMIM
Classification: Pathogenic for ACTH-INDEPENDENT MACRONODULAR ADRENAL HYPERPLASIA, SOMATIC. Last evaluated: 2003-05-01. Review status: no assertion criteria provided. Collection method: literature only. Allele origin: somatic. Not counted in ClinVar's aggregate classification.

GeneReviews
No classification provided. Condition: McCune-Albright syndrome. Review status: no classification provided. Collection method: literature only. Allele origin: germline. Affected: yes. Not counted in ClinVar's aggregate classification.

Literature cited by the submitters: PubMed 8766942 (cited by Labcorp Genetics (formerly Invitae), Labcorp and OMIM); PubMed 10980525 (cited by Labcorp Genetics (formerly Invitae), Labcorp); PubMed 12727968 (cited by Labcorp Genetics (formerly Invitae), Labcorp and OMIM); PubMed 19320777 (cited by Labcorp Genetics (formerly Invitae), Labcorp); PubMed 22245114 (cited by Labcorp Genetics (formerly Invitae), Labcorp); PubMed 26743443 (cited by Labcorp Genetics (formerly Invitae), Labcorp); PubMed 16543670 (cited by Labcorp Genetics (formerly Invitae), Labcorp); PubMed 17873334 (cited by Labcorp Genetics (formerly Invitae), Labcorp); PubMed 20197676 (cited by Labcorp Genetics (formerly Invitae), Labcorp); PubMed 27506760 (cited by Labcorp Genetics (formerly Invitae), Labcorp); PubMed 20531296 (cited by Institute for Genomic Medicine (IGM) Clinical Laboratory, Nationwide Children's Hospital); PubMed 25288233 (cited by Institute for Genomic Medicine (IGM) Clinical Laboratory, Nationwide Children's Hospital); PubMed 2549426 (cited by Institute for Genomic Medicine (IGM) Clinical Laboratory, Nationwide Children's Hospital); PubMed 16507630 (cited by Institute for Genomic Medicine (IGM) Clinical Laboratory, Nationwide Children's Hospital); PubMed 9267696 (cited by OMIM); NCBI Bookshelf NBK274564 (cited by GeneReviews).